The following is an entry in ClinVar:

NM_000048.4(ASL):c.521T>C (p.Leu174Pro)

Gene: ASL (argininosuccinate lyase; plus strand). Cytogenetic location: 7q11.21.
Variant type: single nucleotide variant.
Coding change: c.521T>C on transcript NM_000048.4 (MANE Select); coding-DNA position 521, T replaced by C.
Protein change: p.Leu174Pro; replaces leucine 174 with proline.
Molecular consequence: missense variant.
Genome position (GRCh38, 1-based): chr7:66,086,659, T>C. VCF-style: chr7-66086659-T-C. GRCh37 (hg19) VCF-style: chr7-65551646-T-C.
Other names: c.521T>C, p.Leu174Pro (NM_001024943.2, NM_001024944.2, NM_001024946.2); short protein forms L174P.
Identifiers: ClinVar variation 1523572 (VCV001523572.8), dbSNP rs2115724599, ClinGen allele CA367642229.

ClinVar aggregate classification (germline): Uncertain significance (1 of 4 stars; one submission).

Conditions:
Argininosuccinate lyase deficiency. Also called: Argininosuccinic aciduria; ARGININOSUCCINIC ACID LYASE DEFICIENCY; ASL DEFICIENCY. Identifiers: Orphanet 23, MedGen C0268547, MONDO:0008815, OMIM 207900, HP:0025630.

Submission:

Labcorp Genetics (formerly Invitae), Labcorp
Classification: Uncertain significance for Argininosuccinate lyase deficiency. Last evaluated: 2020-03-25. Review status: criteria provided, single submitter. Criteria: Invitae Variant Classification Sherloc (09022015). Collection method: clinical testing. Allele origin: germline.
Comment: In summary, the available evidence is currently insufficient to determine the role of this variant in disease. Therefore, it has been classified as a Variant of Uncertain Significance. Algorithms developed to predict the effect of missense changes on protein structure and function are either unavailable or do not agree on the potential impact of this missense change (SIFT: "Tolerated"; PolyPhen-2: "Probably Damaging"; Align-GVGD: "Class C0"). This variant has not been reported in the literature in individuals with ASL-related conditions. This variant is not present in population databases (ExAC no frequency). This sequence change replaces leucine with proline at codon 174 of the ASL protein (p.Leu174Pro). The leucine residue is highly conserved and there is a moderate physicochemical difference between leucine and proline.